The following is an entry in ClinVar:

ClinVar aggregate classification (germline): Uncertain significance. Review status: criteria provided, multiple submitters, no conflicts (2 of 4 stars). 2 submissions from 2 submitters: Uncertain significance (2). Last evaluated 2024-08-20.

Conditions:
Hereditary cancer-predisposing syndrome. Also called: Hereditary Cancer Syndrome; Hereditary neoplastic syndrome; Neoplastic Syndromes, Hereditary; Tumor predisposition. Identifiers: Orphanet 140162, MedGen C0027672, MeSH D009386, MONDO:0015356.
Neurofibromatosis, type 2 (SWNV). Also called: SCHWANNOMATOSIS, VESTIBULAR; NF2-Related Schwannomatosis; BILATERAL ACOUSTIC NEUROFIBROMATOSIS. Identifiers: Orphanet 637, MedGen C0027832, MONDO:0007039, OMIM 101000. Disease mechanism: loss of function.

Allele frequency attached by ClinVar (database versions not stated): TOPMed below 0.00001.

Submissions (2):

Labcorp Genetics (formerly Invitae), Labcorp
Classification: Uncertain significance for Neurofibromatosis, type 2. Last evaluated: 2024-08-20. Review status: criteria provided, single submitter. Criteria: Invitae Variant Classification Sherloc (09022015). Collection method: clinical testing. Allele origin: germline.
Comment: This sequence change replaces aspartic acid, which is acidic and polar, with asparagine, which is neutral and polar, at codon 452 of the NF2 protein (p.Asp452Asn). This variant is not present in population databases (gnomAD no frequency). This variant has not been reported in the literature in individuals affected with NF2-related conditions. ClinVar contains an entry for this variant (Variation ID: 1770671). Invitae Evidence Modeling of protein sequence and biophysical properties (such as structural, functional, and spatial information, amino acid conservation, physicochemical variation, residue mobility, and thermodynamic stability) indicates that this missense variant is not expected to disrupt NF2 protein function with a negative predictive value of 80%. In summary, the available evidence is currently insufficient to determine the role of this variant in disease. Therefore, it has been classified as a Variant of Uncertain Significance.

Ambry Genetics
Classification: Uncertain significance for Hereditary cancer-predisposing syndrome. Last evaluated: 2023-10-13. Review status: criteria provided, single submitter. Criteria: Ambry Variant Classification Scheme 2023. Collection method: clinical testing. Allele origin: germline.
Comment: The p.D452N variant (also known as c.1354G>A), located in coding exon 13 of the NF2 gene, results from a G to A substitution at nucleotide position 1354. The aspartic acid at codon 452 is replaced by asparagine, an amino acid with highly similar properties. This amino acid position is not well conserved in available vertebrate species. In addition, this alteration is predicted to be tolerated by in silico analysis. Since supporting evidence is limited at this time, the clinical significance of this alteration remains unclear.

NM_000268.4(NF2):c.1354G>A (p.Asp452Asn)

Gene: NF2 (NF2, moesin-ezrin-radixin like (MERLIN) tumor suppressor; plus strand). Cytogenetic location: 22q12.2.
Variant type: single nucleotide variant.
Coding change: c.1354G>A on transcript NM_000268.4 (MANE Select); coding-DNA position 1354, G replaced by A.
Protein change: p.Asp452Asn; replaces aspartic acid 452 with asparagine.
Molecular consequence: missense variant. On other transcripts: non-coding transcript variant (1), intron variant (1).
Genome position (GRCh38, 1-based): chr22:29,674,849, G>A. VCF-style: chr22-29674849-G-A. GRCh37 (hg19) VCF-style: chr22-30070838-G-A.
Other names: c.1228G>A, p.Asp410Asn (NM_001407055.1, NM_181828.3); c.1240G>A, p.Asp414Asn (NM_001407056.1, NM_001407053.1); c.1219G>A, p.Asp407Asn (NM_001407057.1, NM_001407059.1); c.1231G>A, p.Asp411Asn (NM_001407058.1, NM_001407054.1, NM_181829.3); c.1354G>A, p.Asp452Asn (NM_001407060.1, NM_001407066.1, NM_016418.5 and 2 more transcripts); c.1096G>A, p.Asp366Asn (NM_001407062.1); c.1105G>A, p.Asp369Asn (NM_001407063.1, NM_001407064.1, NM_181830.3 and 1 more transcripts); c.820G>A, p.Asp274Asn (NM_001407065.1); and 2 more; short protein forms D410N, D414N, D452N, D369N, D375N, D411N, D274N, D407N.
Identifiers: ClinVar variation 1770671 (VCV001770671.4), dbSNP rs2066911994, ClinGen allele CA411148839.